The following is an entry in ClinVar:

ClinVar aggregate classification (germline): Uncertain significance. Review status: criteria provided, multiple submitters, no conflicts (2 of 4 stars). 4 submissions from 4 submitters: Uncertain significance (4). Last evaluated 2026-01-16.

Conditions:
Thyroid dyshormonogenesis 6 (TDH6). Also called: Genetic transient congenital hypothyroidism; HYPOTHYROIDISM, CONGENITAL, DUE TO DYSHORMONOGENESIS, 6; THYROID HORMONOGENESIS, GENETIC DEFECT IN, 6. Identifiers: Orphanet 226316, Orphanet 95716, MedGen C1846632, MONDO:0011792, OMIM 607200.

Allele frequency attached by ClinVar (database versions not stated): gnomAD 0.00001 and 0.00002; TOPMed 0.00002; gnomAD exomes 0.00005 and 0.00007; ExAC 0.00007; 1000 Genomes Project 30x 0.00016; 1000 Genomes Project 0.00020.

Submissions (4):

Labcorp Genetics (formerly Invitae), Labcorp
Classification: Uncertain significance. Last evaluated: 2026-01-16. Review status: criteria provided, single submitter. Criteria: Invitae Variant Classification Sherloc (09022015). Collection method: clinical testing. Allele origin: germline.
Comment: This sequence change replaces arginine, which is basic and polar, with glutamine, which is neutral and polar, at codon 1084 of the DUOX2 protein (p.Arg1084Gln). This variant is present in population databases (rs558919433, gnomAD 0.04%). This missense change has been observed in individual(s) with congenital hypothyroidism (PMID: 27108200, 31044655, 32425884, 33631011, 36913313). ClinVar contains an entry for this variant (Variation ID: 1687541). Invitae Evidence Modeling of protein sequence and biophysical properties (such as structural, functional, and spatial information, amino acid conservation, physicochemical variation, residue mobility, and thermodynamic stability) indicates that this missense variant is expected to disrupt DUOX2 protein function with a positive predictive value of 80%. In summary, the available evidence is currently insufficient to determine the role of this variant in disease. Therefore, it has been classified as a Variant of Uncertain Significance.

3billion
Classification: Uncertain significance for Thyroid dyshormonogenesis 6. Last evaluated: 2025-09-17. Review status: criteria provided, single submitter. Criteria: ACMG Guidelines, 2015. Collection method: clinical testing. Allele origin: germline. Affected: yes.
Comment: The variant is observed at an extremely low frequency in the gnomAD v4.1.0 dataset (total allele frequency: 0.004%). Predicted Consequence/Location: Missense variant In silico tool predictions suggest damaging effect of the variant on gene or gene product [REVEL: 0.92 (>=0.6, sensitivity 0.68 and specificity 0.92); 3Cnet: 0.97 (> 0.75, sensitivity 0.96 and precision 0.92)]. The variant has been reported as of uncertain significance (ClinVar ID: VCV001687541; PMID: 27108200; 3billion dataset). Therefore, this variant is classified as VUS according to the recommendation of ACMG/AMP guideline.

Fulgent Genetics
Classification: Uncertain significance for Thyroid dyshormonogenesis 6. Last evaluated: 2021-08-16. Review status: criteria provided, single submitter. Criteria: ACMG Guidelines, 2015. Collection method: clinical testing. Allele origin: unknown.

Juno Genomics, Hangzhou Juno Genomics, Inc
Classification: Uncertain significance for Thyroid dyshormonogenesis 6. Review status: criteria provided, single submitter. Criteria: ACMG Guidelines, 2015. Collection method: clinical testing. Allele origin: germline.
Comment: Absent from controls (or at extremely low frequency if recessive) in Genome Aggregation Database.;Multiple lines of computational evidence support a deleterious effect on the gene or gene product.;Co-segregation with disease in multiple affected family members.

Literature cited by the submitters: PubMed 27108200 (cited by Labcorp Genetics (formerly Invitae), Labcorp); PubMed 31044655 (cited by Labcorp Genetics (formerly Invitae), Labcorp); PubMed 32425884 (cited by Labcorp Genetics (formerly Invitae), Labcorp); PubMed 33631011 (cited by Labcorp Genetics (formerly Invitae), Labcorp); PubMed 36913313 (cited by Labcorp Genetics (formerly Invitae), Labcorp).

NM_001363711.2(DUOX2):c.3251G>A (p.Arg1084Gln)

Gene: DUOX2 (dual oxidase 2; minus strand). Cytogenetic location: 15q21.1.
Variant type: single nucleotide variant.
Coding change: c.3251G>A on transcript NM_001363711.2 (MANE Select); coding-DNA position 3251, G replaced by A.
Protein change: p.Arg1084Gln; replaces arginine 1084 with glutamine.
Molecular consequence: missense variant.
Genome position (GRCh38, 1-based): chr15:45,099,826, C>T on the plus strand (G>A on the coding strand, the complement: DUOX2 is on the minus strand). VCF-style: chr15-45099826-C-T. GRCh37 (hg19) VCF-style: chr15-45392024-C-T.
Other names: c.3251G>A, p.Arg1084Gln (NM_014080.5); c.3251G>A (NM_014080.4); short protein forms R1084Q.
Identifiers: ClinVar variation 1687541 (VCV001687541.9), dbSNP rs558919433, ClinGen allele CA7537947.